The following is an entry in ClinVar:

NM_000059.4(BRCA2):c.6344_6345dup (p.His2116fs)

Gene: BRCA2 (BRCA2 DNA repair associated; plus strand). Cytogenetic location: 13q13.1.
Variant type: Microsatellite.
Coding change: c.6344_6345dup on transcript NM_000059.4 (MANE Select); coding-DNA positions 6344 to 6345, 2 bases duplicated (AG; older notation c.6344_6345dupAG).
Protein change: p.His2116fs; shifts the reading frame from histidine 2116.
Molecular consequence: frameshift variant. On other transcripts: non-coding transcript variant (1), intron variant (2).
Genome position (GRCh38, 1-based): chr13:32,340,699-32,340,700, AG duplicated; duplicating any 2 consecutive bases within chr13:32,340,697-32,340,700 gives the same sequence; the c. name uses the placement nearest the transcript's 3' end. VCF-style (leftmost placement, unchanged base first): chr13-32340696-C-CAG. GRCh37 (hg19) VCF-style: chr13-32914833-C-CAG.
Other names: c.6344_6345dup, p.His2116fs (NM_001406719.1, NM_001406720.1); c.1910-3861AG[3] (NM_001406721.1); c.425-3861AG[3] (NM_001406722.1); short protein forms H2116fs.
Identifiers: ClinVar variation 3148670 (VCV003148670.1), dbSNP rs2548533069, ClinGen allele CA2825002112.
Genomic context (GRCh38, chr13:32,340,696, plus strand): 5'-ATTCACCTACGTCTAGACAAAATGTATCAAAAATACTTCCTCGTGTTGATAAGAGAAACC[C>CAG]AGAGCACTGTGTAAACTCAGAAATGGAAAAAACCTGCAGTAAAGAATTTAAATTATCAAA-3'

ClinVar aggregate classification (germline): Pathogenic (1 of 4 stars; one submission).

Conditions:
Breast-ovarian cancer, familial, susceptibility to, 2 (BROVCA2). Also called: BRCA2 Hereditary Breast and Ovarian Cancer. Identifiers: Orphanet 145, MedGen C2675520, MONDO:0012933, OMIM 612555. Disease mechanism: loss of function.

Submission:

Myriad Genetics, Inc.
Classification: Pathogenic for Breast-ovarian cancer, familial, susceptibility to, 2. Last evaluated: 2024-01-05. Review status: criteria provided, single submitter. Criteria: Myriad Autosomal Dominant, Autosomal Recessive and X-Linked Classification Criteria (2023). Collection method: clinical testing. Allele origin: unknown.
Comment: This variant is considered pathogenic. This variant creates a frameshift predicted to result in premature protein truncation.